The following is an entry in ClinVar:

ClinVar aggregate classification (germline): Benign/Likely benign. Review status: criteria provided, multiple submitters, no conflicts (2 of 4 stars). 6 submissions from 5 submitters: Benign (1); Likely benign (4). 1 of the submissions does not count toward it. Last evaluated 2026-01-15.

Conditions:
RAB3GAP2-related disorder. Also called: RAB3GAP2-related condition; RAB3GAP2-related disorders.
Warburg micro syndrome 2 (WARBM2). Also called: MICRO SYNDROME 2. Identifiers: Orphanet 2510, MedGen C3280214, MONDO:0013641, OMIM 614225.
Martsolf syndrome (MARTS). Also called: Congenital cataract with intellectual disability and hypogonadotropic hypogonadism syndrome. Identifiers: Orphanet 1387, MedGen C0796037, MONDO:0023910.

Allele frequency attached by ClinVar (database versions not stated): gnomAD exomes 0.00005 and 0.00031; gnomAD 0.00013 and 0.00014; TOPMed 0.00014; 1000 Genomes Project 0.00020; ExAC 0.00027; 1000 Genomes Project 30x 0.00047.
gnomAD v4.1: 122 of 1,613,936 alleles (0.0076%); highest among the groups gnomAD compares: East Asian, 0.19%; 1 homozygote.

Submissions (6):

Labcorp Genetics (formerly Invitae), Labcorp
Classification: Benign for Martsolf syndrome; Warburg micro syndrome 2. Last evaluated: 2026-01-15. Review status: criteria provided, single submitter. Criteria: Invitae Variant Classification Sherloc (09022015). Collection method: clinical testing. Allele origin: germline.

Blueprint Genetics
Classification: Likely benign. Last evaluated: 2024-06-17. Review status: criteria provided, single submitter. Criteria: ACMG Guidelines, 2015. Collection method: clinical testing. Allele origin: germline.

Illumina Laboratory Services, Illumina
Classification: Likely benign for Martsolf syndrome 1. Last evaluated: 2018-01-12. Review status: criteria provided, single submitter. Criteria: ICSL Variant Classification Criteria 13 December 2019. Collection method: clinical testing. Allele origin: germline.
Comment: This variant was observed in the ICSL laboratory as part of a predisposition screen in an ostensibly healthy population. It had not been previously curated by ICSL or reported in the Human Gene Mutation Database (HGMD: prior to June 1st, 2018), and was therefore a candidate for classification through an automated scoring system. Utilizing variant allele frequency, disease prevalence and penetrance estimates, and inheritance mode, an automated score was calculated to assess if this variant is too frequent to cause the disease. Based on the score and internal cut-off values, a variant classified as likely benign is not then subjected to further curation. The score for this variant resulted in a classification of likely benign for this disease.

Illumina Laboratory Services, Illumina
Classification: Likely benign for Warburg micro syndrome 2. Last evaluated: 2018-01-12. Review status: criteria provided, single submitter. Criteria: ICSL Variant Classification Criteria 13 December 2019. Collection method: clinical testing. Allele origin: germline.
Comment: the same text as in the submission from Illumina Laboratory Services, Illumina above.

Genetic Services Laboratory, University of Chicago
Classification: Likely benign. Last evaluated: 2017-02-08. Review status: criteria provided, single submitter. Criteria: ACMG Guidelines, 2015. Collection method: clinical testing. Allele origin: germline. Affected: no.

PreventionGenetics, part of Exact Sciences
Classification: Likely benign for RAB3GAP2-related condition. Last evaluated: 2019-05-17. Review status: no assertion criteria provided. Collection method: clinical testing. Allele origin: germline. Not counted in ClinVar's aggregate classification.
Comment: This variant is classified as likely benign based on ACMG/AMP sequence variant interpretation guidelines (Richards et al. 2015 PMID: 25741868, with internal and published modifications).

NM_012414.4(RAB3GAP2):c.2304G>A (p.Leu768=)

Gene: RAB3GAP2 (RAB3 GTPase activating non-catalytic protein subunit 2; minus strand). Cytogenetic location: 1q41.
Variant type: single nucleotide variant.
Coding change: c.2304G>A on transcript NM_012414.4 (MANE Select); coding-DNA position 2304, G replaced by A.
Protein change: p.Leu768=; no amino-acid change (leucine 768 retained).
Molecular consequence: synonymous variant.
Genome position (GRCh38, 1-based): chr1:220,182,263, C>T on the plus strand (G>A on the coding strand, the complement: RAB3GAP2 is on the minus strand). VCF-style: chr1-220182263-C-T. GRCh37 (hg19) VCF-style: chr1-220355605-C-T.
Identifiers: ClinVar variation 295651 (VCV000295651.21), dbSNP rs140146408, ClinGen allele CA1402466.